The following is an entry in ClinVar:

ClinVar aggregate classification (germline): Uncertain significance (1 of 4 stars; one submission).

gnomAD v4.1: 1 of 1,613,990 alleles (0.000062%); highest among the groups gnomAD compares: Non-Finnish European, 0.000085%; no homozygotes.

Submission:

Labcorp Genetics (formerly Invitae), Labcorp
Classification: Uncertain significance. Last evaluated: 2025-12-15. Review status: criteria provided, single submitter. Criteria: Invitae Variant Classification Sherloc (09022015). Collection method: clinical testing. Allele origin: germline.
Comment: This sequence change replaces serine, which is neutral and polar, with cysteine, which is neutral and slightly polar, at codon 3039 of the KMT2A protein (p.Ser3039Cys). This variant is present in population databases (no rsID available, gnomAD 0.0009%). This variant has not been reported in the literature in individuals affected with KMT2A-related conditions. ClinVar contains an entry for this variant (Variation ID: 2008263). Invitae Evidence Modeling of protein sequence and biophysical properties (such as structural, functional, and spatial information, amino acid conservation, physicochemical variation, residue mobility, and thermodynamic stability) has been performed for this missense variant. However, the output from this modeling did not meet the statistical confidence thresholds required to predict the impact of this variant on KMT2A protein function. In summary, the available evidence is currently insufficient to determine the role of this variant in disease. Therefore, it has been classified as a Variant of Uncertain Significance.

NM_001197104.2(KMT2A):c.9116C>G (p.Ser3039Cys)

Gene: KMT2A (lysine methyltransferase 2A; plus strand). Cytogenetic location: 11q23.3.
Variant type: single nucleotide variant.
Coding change: c.9116C>G on transcript NM_001197104.2 (MANE Select); coding-DNA position 9116, C replaced by G.
Protein change: p.Ser3039Cys; replaces serine 3039 with cysteine.
Molecular consequence: missense variant.
Genome position (GRCh38, 1-based): chr11:118,505,008, C>G. VCF-style: chr11-118505008-C-G. GRCh37 (hg19) VCF-style: chr11-118375723-C-G.
Other names: c.9206C>G, p.Ser3069Cys (NM_001412597.1); c.9107C>G, p.Ser3036Cys (NM_005933.4); short protein forms S3069C, S3036C, S3039C.
Identifiers: ClinVar variation 2008263 (VCV002008263.4), dbSNP rs1279929414, ClinGen allele CA382818452.